The following is an entry in ClinVar:

ClinVar aggregate classification (germline): Pathogenic (1 of 4 stars; one submission).

Conditions:
Mucopolysaccharidosis, MPS-III-C (MPS3C). Also called: MPS III C; MUCOPOLYSACCHARIDOSIS, TYPE IIIC; Mucopolysaccharidosis type IIIC (Sanfilippo C); mucopolysaccharidosis type 3C; MPS IIIC (Sanfilippo Syndrome Type C); SANFILIPPO SYNDROME C. Identifiers: Orphanet 581, Orphanet 79271, MedGen C0086649, MONDO:0009657, OMIM 252930.

Submission:

Myriad Genetics, Inc.
Classification: Pathogenic for Mucopolysaccharidosis, MPS-III-C. Last evaluated: 2024-11-25. Review status: criteria provided, single submitter. Criteria: Myriad Autosomal Dominant, Autosomal Recessive and X-Linked Classification Criteria (2023). Collection method: clinical testing. Allele origin: unknown.
Comment: NM_152419.2(HGSNAT):c.500delG(S167Tfs*13) is expected to be pathogenic in the context of mucopolysaccharidosis type IIIC. This variant is predicted to lead to an abnormal or absent protein product due to the creation of a premature termination codon in HGSNAT, a gene where loss-of-function variants are known to be pathogenic. Please note: this variant was assessed in the context of healthy population screening.

NM_152419.3(HGSNAT):c.500del (p.Ser167fs)

Gene: HGSNAT (heparan-alpha-glucosaminide N-acetyltransferase; plus strand). Cytogenetic location: 8p11.21.
Variant type: Deletion.
Coding change: c.500del on transcript NM_152419.3 (MANE Select); coding-DNA position 500, one base deleted (G; older notation c.500delG).
Protein change: p.Ser167fs; shifts the reading frame from serine 167.
Molecular consequence: frameshift variant. On other transcripts: 5 prime UTR variant (1).
Genome position (GRCh38, 1-based): chr8:43,161,444, G deleted. VCF-style (leftmost placement, unchanged base first): chr8-43161443-AG-A. GRCh37 (hg19) VCF-style: chr8-43016586-AG-A.
Other names: c.500del, p.Ser167fs (NM_001363227.2, NM_001363228.2); c.-334del (NM_001363229.2); short protein forms S167fs.
Identifiers: ClinVar variation 5013804 (VCV005013804.1).